The following is an entry in ClinVar:

NM_003239.5(TGFB3):c.338G>A (p.Gly113Glu)

Gene: TGFB3 (transforming growth factor beta 3; minus strand). Cytogenetic location: 14q24.3.
Variant type: single nucleotide variant.
Coding change: c.338G>A on transcript NM_003239.5 (MANE Select); coding-DNA position 338, G replaced by A.
Protein change: p.Gly113Glu; replaces glycine 113 with glutamic acid.
Molecular consequence: missense variant.
Genome position (GRCh38, 1-based): chr14:75,980,556, C>T on the plus strand (G>A on the coding strand, the complement: TGFB3 is on the minus strand). VCF-style: chr14-75980556-C-T. GRCh37 (hg19) VCF-style: chr14-76446899-C-T.
Other names: c.338G>A, p.Gly113Glu (NM_001329938.2, NM_001329939.2); short protein forms G113E.
Identifiers: ClinVar variation 518886 (VCV000518886.6), dbSNP rs1555361380, ClinGen allele CA390470839.

ClinVar aggregate classification (germline): Uncertain significance (1 of 4 stars; one submission).

Conditions:
Familial thoracic aortic aneurysm and aortic dissection (TAAD). Also called: Thoracic aortic aneurysms and dissections. Identifiers: Orphanet 91387, MedGen C4707243, MONDO:0019625.

gnomAD v4.1: 2 of 1,614,236 alleles (0.00012%); highest among the groups gnomAD compares: South Asian, 0.0011%; no homozygotes.

Submission:

Ambry Genetics
Classification: Uncertain significance for Familial thoracic aortic aneurysm and aortic dissection. Last evaluated: 2022-12-21. Review status: criteria provided, single submitter. Criteria: Ambry Variant Classification Scheme 2023. Collection method: clinical testing. Allele origin: germline.
Comment: The p.G113E variant (also known as c.338G>A), located in coding exon 1 of the TGFB3 gene, results from a G to A substitution at nucleotide position 338. The glycine at codon 113 is replaced by glutamic acid, an amino acid with similar properties. This amino acid position is highly conserved in available vertebrate species. In addition, this alteration is predicted to be tolerated by in silico analysis. Since supporting evidence is limited at this time, the clinical significance of this alteration remains unclear.